The following is an entry in ClinVar:

ClinVar aggregate classification (germline): Likely benign. Review status: criteria provided, multiple submitters, no conflicts (2 of 4 stars). 2 submissions from 2 submitters: Likely benign (2). Last evaluated 2026-06-22.

Conditions:
ATP6V1B1-related disorder. Also called: ATP6V1B1-related condition.

Allele frequency attached by ClinVar (database versions not stated): TOPMed below 0.00001; ExAC 0.00001; gnomAD 0.00001.
gnomAD v4.1: 4 of 1,613,338 alleles (0.00025%); highest among the groups gnomAD compares: East Asian, 0.0045%; no homozygotes.

Submissions (2):

PreventionGenetics, part of Exact Sciences
Classification: Likely benign for ATP6V1B1-related condition. Last evaluated: 2026-06-22. Review status: criteria provided, single submitter. Criteria: ACMG Guidelines, 2015. Collection method: clinical testing. Allele origin: germline.
Comment: This variant is classified as likely benign based on ACMG/AMP sequence variant interpretation guidelines (Richards et al. 2015 PMID: 25741868, with internal and published modifications).

Labcorp Genetics (formerly Invitae), Labcorp
Classification: Likely benign. Last evaluated: 2024-01-29. Review status: criteria provided, single submitter. Criteria: Invitae Variant Classification Sherloc (09022015). Collection method: clinical testing. Allele origin: germline.

NM_001692.4(ATP6V1B1):c.1149C>T (p.Tyr383=)

Gene: ATP6V1B1 (ATPase H+ transporting V1 subunit B1; plus strand). Cytogenetic location: 2p13.3.
Variant type: single nucleotide variant.
Coding change: c.1149C>T on transcript NM_001692.4 (MANE Select); coding-DNA position 1149, C replaced by T.
Protein change: p.Tyr383=; no amino-acid change (tyrosine 383 retained).
Molecular consequence: synonymous variant.
Genome position (GRCh38, 1-based): chr2:70,964,443, C>T. VCF-style: chr2-70964443-C-T. GRCh37 (hg19) VCF-style: chr2-71191573-C-T.
Other names: c.1149C>T (NM_001692.3).
Identifiers: ClinVar variation 1142066 (VCV001142066.10), dbSNP rs782522530, ClinGen allele CA1701279.
Genomic context (GRCh38, chr2:70,964,443, plus strand): 5'-GGGGGAGCAAAGCTTGAGTCCTGCTGTCCACCACTCCCTTTTTCTTCTCCCTCAGATCTA[C>T]CCCCCCATCAACGTGCTCCCTTCCCTGTCGCGGCTGATGAAGTCAGCCATTGGGGAAGGC-3'
Protein context (NP_001683.2, residues 373-393): VDRQLHNRQI[Tyr383=]PPINVLPSLS